The following is an entry in ClinVar:

NC_000002.12:g.(?_214809406)_(214809575_?)del

Gene: BARD1 (BRCA1 associated RING domain 1; minus strand). Cytogenetic location: 2q35.
Variant type: Deletion.
Identifiers: ClinVar variation 460649 (VCV000460649.2).

ClinVar aggregate classification (germline): Pathogenic (1 of 4 stars; one submission).

Conditions:
Familial cancer of breast. Also called: BREAST CANCER, FAMILIAL; hereditary breast carcinoma; Hereditary breast cancer. Identifiers: Orphanet 227535, MedGen C0346153, MONDO:0016419, OMIM 114480. Disease mechanism: loss of function.

Submission:

Labcorp Genetics (formerly Invitae), Labcorp
Classification: Pathogenic for Familial cancer of breast. Last evaluated: 2017-11-02. Review status: criteria provided, single submitter. Criteria: Invitae Variant Classification Sherloc (09022015). Collection method: clinical testing. Allele origin: germline.
Comment: This variant is a gross deletion of the genomic region encompassing exon 1 of the BARD1 gene, which includes the initiator codon. The 5' end of this event is unknown as it extends beyond the assayed region for this gene and therefore may encompass additional genes. The 3' boundary is likely confined to intron 1 of the BARD1 gene. This is expected to result in an absent or disrupted protein product. While this particular variant has not been reported in the literature, loss-of-function variants in BARD1 are known to be pathogenic (PMID: 21344236, 22006311, 20077502). For these reasons, this variant has been classified as Pathogenic.

Literature cited by the submitters: PubMed 20077502; PubMed 22006311; PubMed 21344236.